The following is an entry in ClinVar:

NM_000814.6(GABRB3):c.1030G>A (p.Glu344Lys)

Gene: GABRB3 (gamma-aminobutyric acid type A receptor subunit beta3; minus strand). Cytogenetic location: 15q12.
Variant type: single nucleotide variant.
Coding change: c.1030G>A on transcript NM_000814.6 (MANE Select); coding-DNA position 1030, G replaced by A.
Protein change: p.Glu344Lys; replaces glutamic acid 344 with lysine.
Molecular consequence: missense variant.
Genome position (GRCh38, 1-based): chr15:26,560,982, C>T on the plus strand (G>A on the coding strand, the complement: GABRB3 is on the minus strand). VCF-style: chr15-26560982-C-T. GRCh37 (hg19) VCF-style: chr15-26806129-C-T.
Other names: c.775G>A, p.Glu259Lys (NM_001191320.2, NM_001278631.2); c.817G>A, p.Glu273Lys (NM_001191321.3); c.1030G>A, p.Glu344Lys (NM_021912.5); short protein forms E259K, E273K, E344K.
Identifiers: ClinVar variation 2023816 (VCV002023816.4), dbSNP rs2504152999, ClinGen allele CA391461301.

ClinVar aggregate classification (germline): Uncertain significance (1 of 4 stars; one submission).

Conditions:
Epilepsy, childhood absence, susceptibility to, 5. Identifiers: Orphanet 64280, MedGen C2677087, MONDO:0012843, OMIM 612269.
Epilepsy, childhood absence, susceptibility to, 1. Also called: Epilepsy, childhood absence 1. Identifiers: Orphanet 64280, MedGen C1838604, MONDO:0020759, OMIM 600131.

Submission:

Labcorp Genetics (formerly Invitae), Labcorp
Classification: Uncertain significance for Epilepsy, childhood absence, susceptibility to, 5; Epilepsy, childhood absence, susceptibility to, 1. Last evaluated: 2021-12-02. Review status: criteria provided, single submitter. Criteria: Invitae Variant Classification Sherloc (09022015). Collection method: clinical testing. Allele origin: germline.
Comment: This sequence change replaces glutamic acid, which is acidic and polar, with lysine, which is basic and polar, at codon 344 of the GABRB3 protein (p.Glu344Lys). This variant is not present in population databases (gnomAD no frequency). This variant has not been reported in the literature in individuals affected with GABRB3-related conditions. Advanced modeling of protein sequence and biophysical properties (such as structural, functional, and spatial information, amino acid conservation, physicochemical variation, residue mobility, and thermodynamic stability) performed at Invitae indicates that this missense variant is not expected to disrupt GABRB3 protein function. In summary, the available evidence is currently insufficient to determine the role of this variant in disease. Therefore, it has been classified as a Variant of Uncertain Significance.